The following is an entry in ClinVar:

ClinVar aggregate classification (germline): Uncertain significance. Review status: criteria provided, multiple submitters, no conflicts (2 of 4 stars). 2 submissions from 2 submitters: Uncertain significance (2). Last evaluated 2022-07-30.

Conditions:
Hereditary cancer-predisposing syndrome. Also called: Hereditary neoplastic syndrome; Neoplastic Syndromes, Hereditary; Tumor predisposition; Hereditary Cancer Syndrome. Identifiers: Orphanet 140162, MedGen C0027672, MeSH D009386, MONDO:0015356.

Submissions (2):

Ambry Genetics
Classification: Uncertain significance for Hereditary cancer-predisposing syndrome. Last evaluated: 2022-07-30. Review status: criteria provided, single submitter. Criteria: Ambry Variant Classification Scheme 2023. Collection method: clinical testing. Allele origin: germline.
Comment: The p.R58T variant (also known as c.173G>C), located in coding exon 1 of the MSH6 gene, results from a G to C substitution at nucleotide position 173. The arginine at codon 58 is replaced by threonine, an amino acid with similar properties. This amino acid position is conserved. In addition, this alteration is predicted to be tolerated by in silico analysis. Since supporting evidence is limited at this time, the clinical significance of this alteration remains unclear.

Mendelics
Classification: Uncertain significance. Last evaluated: 2022-05-04. Review status: criteria provided, single submitter. Criteria: Mendelics Assertion Criteria 2019. Collection method: clinical testing. Allele origin: germline.

NM_000179.3(MSH6):c.173G>C (p.Arg58Thr)

Gene: MSH6 (mutS homolog 6; plus strand). Cytogenetic location: 2p16.3.
Variant type: single nucleotide variant.
Coding change: c.173G>C on transcript NM_000179.3 (MANE Select); coding-DNA position 173, G replaced by C.
Protein change: p.Arg58Thr; replaces arginine 58 with threonine.
Molecular consequence: missense variant. On other transcripts: 5 prime UTR variant (1).
Genome position (GRCh38, 1-based): chr2:47,783,406, G>C. VCF-style: chr2-47783406-G-C. GRCh37 (hg19) VCF-style: chr2-48010545-G-C.
Other names: c.173G>C, p.Arg58Thr (NM_001281492.2); c.-564G>C (NM_001281493.2); short protein forms R58T.
Identifiers: ClinVar variation 1684897 (VCV001684897.3), dbSNP rs1064795187, ClinGen allele CA346735000.